The following is an entry in ClinVar:

ClinVar aggregate classification (germline): Uncertain significance (1 of 4 stars; one submission).

gnomAD v4.1: 1 of 1,613,392 alleles (0.000062%); highest among the groups gnomAD compares: Non-Finnish European, 0.000085%; no homozygotes.

Submission:

GeneDx
Classification: Uncertain significance. Last evaluated: 2025-03-14. Review status: criteria provided, single submitter. Criteria: GeneDx Variant Classification Process June 2021. Collection method: clinical testing. Allele origin: germline. Affected: yes.
Comment: Not observed at significant frequency in large population cohorts (gnomAD); In silico analysis indicates that this missense variant does not alter protein structure/function; Has not been previously published as pathogenic or benign to our knowledge

NM_001395159.1(UNC79):c.4127A>G (p.Asn1376Ser)

Gene: UNC79 (unc-79 subunit of NALCN channel complex; plus strand). Cytogenetic location: 14q32.12.
Variant type: single nucleotide variant.
Coding change: c.4127A>G on transcript NM_001395159.1 (MANE Select); coding-DNA position 4127, A replaced by G.
Protein change: p.Asn1376Ser; replaces asparagine 1376 with serine.
Molecular consequence: missense variant.
Genome position (GRCh38, 1-based): chr14:93,617,141, A>G. VCF-style: chr14-93617141-A-G. GRCh37 (hg19) VCF-style: chr14-94083487-A-G.
Other names: c.4061A>G, p.Asn1354Ser (NM_001346218.2); c.3530A>G, p.Asn1177Ser (NM_020818.5); short protein forms N1177S, N1354S, N1376S.
Identifiers: ClinVar variation 4083149 (VCV004083149.1).
Genomic context (GRCh38, chr14:93,617,141, plus strand): 5'-TTGTAGTTTTCCATCAGTTATTAATATTTTTTCTATTTCAGGTTATGGACTATAACATTA[A>G]CTTGGGAAAACACCTTCTCCCCTTAGTGGTTCAGGTGCTCAAATACTGCTCTTGTCCTCA-3'
Protein context (NP_001382088.1, residues 1366-1386): GIAQVMDYNI[Asn1376Ser]LGKHLLPLVV